The following is an entry in ClinVar:

ClinVar aggregate classification (germline): Uncertain significance (1 of 4 stars; one submission).

Allele frequency attached by ClinVar (database versions not stated): gnomAD exomes below 0.00001; gnomAD 0.00001; TOPMed 0.00001.
gnomAD v4.1: 6 of 1,614,050 alleles (0.00037%); highest among the groups gnomAD compares: Non-Finnish European, 0.00051%; no homozygotes.

Submission:

Labcorp Genetics (formerly Invitae), Labcorp
Classification: Uncertain significance. Last evaluated: 2025-03-17. Review status: criteria provided, single submitter. Criteria: Invitae Variant Classification Sherloc (09022015). Collection method: clinical testing. Allele origin: germline.
Comment: This sequence change replaces cysteine, which is neutral and slightly polar, with tyrosine, which is neutral and polar, at codon 582 of the DHX38 protein (p.Cys582Tyr). This variant is not present in population databases (gnomAD no frequency). This variant has not been reported in the literature in individuals affected with DHX38-related conditions. ClinVar contains an entry for this variant (Variation ID: 1054792). Invitae Evidence Modeling of protein sequence and biophysical properties (such as structural, functional, and spatial information, amino acid conservation, physicochemical variation, residue mobility, and thermodynamic stability) indicates that this missense variant is expected to disrupt DHX38 protein function with a positive predictive value of 80%. In summary, the available evidence is currently insufficient to determine the role of this variant in disease. Therefore, it has been classified as a Variant of Uncertain Significance.

NM_014003.4(DHX38):c.1745G>A (p.Cys582Tyr)

Gene: DHX38 (DEAH-box helicase 38; plus strand). Cytogenetic location: 16q22.2.
Variant type: single nucleotide variant.
Coding change: c.1745G>A on transcript NM_014003.4 (MANE Select); coding-DNA position 1745, G replaced by A.
Protein change: p.Cys582Tyr; replaces cysteine 582 with tyrosine.
Molecular consequence: missense variant.
Genome position (GRCh38, 1-based): chr16:72,103,709, G>A. VCF-style: chr16-72103709-G-A. GRCh37 (hg19) VCF-style: chr16-72137608-G-A.
Other names: short protein forms C582Y.
Identifiers: ClinVar variation 1054792 (VCV001054792.7), dbSNP rs1218669009, ClinGen allele CA396708188.